The following is an entry in ClinVar:

NM_139242.4(MTFMT):c.62G>C (p.Arg21Thr)

Gene: MTFMT (mitochondrial methionyl-tRNA formyltransferase; minus strand). Cytogenetic location: 15q22.31.
Variant type: single nucleotide variant.
Coding change: c.62G>C on transcript NM_139242.4 (MANE Select); coding-DNA position 62, G replaced by C.
Protein change: p.Arg21Thr; replaces arginine 21 with threonine.
Molecular consequence: missense variant.
Genome position (GRCh38, 1-based): chr15:65,029,552, C>G on the plus strand (G>C on the coding strand, the complement: MTFMT is on the minus strand). VCF-style: chr15-65029552-C-G. GRCh37 (hg19) VCF-style: chr15-65321890-C-G.
Other names: short protein forms R21T.
Identifiers: ClinVar variation 3214682 (VCV003214682.3), dbSNP rs1340731801, ClinGen allele CA392863329.
Genomic context (GRCh38, chr15:65,029,552, plus strand): 5'-CTGGAGTCCCGGCAGTCCTCCCAGCCGAGTCGGGCCAGTGCTCGCCACTGGGGACTCGGC[C>G]TCCCACGCCTGGCGCCATGAGCCAGCGGAGGACCCCAACAGCGCCGCACCAACACCCTCA-3'
Protein context (NP_640335.2, residues 11-31): PPLAHGARRG[Arg21Thr]PSPQWRALAR

ClinVar aggregate classification (germline): Uncertain significance. Review status: criteria provided, multiple submitters, no conflicts (2 of 4 stars). 2 submissions from 2 submitters: Uncertain significance (2). Last evaluated 2024-05-31.

Conditions:
Inborn genetic diseases. Identifiers: MedGen C0950123, MeSH D030342.

Allele frequency attached by ClinVar (database versions not stated): TOPMed 0.00001.

Submissions (2):

Labcorp Genetics (formerly Invitae), Labcorp
Classification: Uncertain significance. Last evaluated: 2024-05-31. Review status: criteria provided, single submitter. Criteria: Invitae Variant Classification Sherloc (09022015). Collection method: clinical testing. Allele origin: germline.
Comment: This sequence change replaces arginine, which is basic and polar, with threonine, which is neutral and polar, at codon 21 of the MTFMT protein (p.Arg21Thr). This variant is not present in population databases (gnomAD no frequency). This variant has not been reported in the literature in individuals affected with MTFMT-related conditions. An algorithm developed to predict the effect of missense changes on protein structure and function (PolyPhen-2) suggests that this variant is likely to be tolerated. In summary, the available evidence is currently insufficient to determine the role of this variant in disease. Therefore, it has been classified as a Variant of Uncertain Significance.

Ambry Genetics
Classification: Uncertain significance for Inborn genetic diseases. Last evaluated: 2024-02-28. Review status: criteria provided, single submitter. Criteria: Ambry Variant Classification Scheme 2023. Collection method: clinical testing. Allele origin: germline.